The following is an entry in ClinVar:

NM_001388492.1(HTT):c.1874A>G (p.Gln625Arg)

Gene: HTT (huntingtin; plus strand). Cytogenetic location: 4p16.3.
Variant type: single nucleotide variant.
Coding change: c.1874A>G on transcript NM_001388492.1 (MANE Select); coding-DNA position 1874, A replaced by G.
Protein change: p.Gln625Arg; replaces glutamine 625 with arginine.
Molecular consequence: missense variant.
Genome position (GRCh38, 1-based): chr4:3,130,311, A>G. VCF-style: chr4-3130311-A-G. GRCh37 (hg19) VCF-style: chr4-3132038-A-G.
Other names: c.1880A>G, p.Gln627Arg (NM_002111.8); short protein forms Q625R, Q627R.
Identifiers: ClinVar variation 1530425 (VCV001530425.32), dbSNP rs151106561, ClinGen allele CA2823668.

ClinVar aggregate classification (germline): Benign/Likely benign. Review status: criteria provided, multiple submitters, no conflicts (2 of 4 stars). 3 submissions from 3 submitters: Benign (2); Likely benign (1). Last evaluated 2026-02-01.

Allele frequency attached by ClinVar (database versions not stated): 1000 Genomes Project 0.00280; 1000 Genomes Project 30x 0.00359; gnomAD 0.00379 and 0.00389; TOPMed 0.00430; gnomAD exomes 0.00553 and 0.00584; ExAC 0.00593; ESP Exome Variant Server 0.00600.
gnomAD v4.1: 8,968 of 1,571,242 alleles (0.57%); highest among the groups gnomAD compares: Middle Eastern, 0.8%; 41 homozygotes.

Submissions (3):

CeGaT Center for Human Genetics Tuebingen
Classification: Likely benign. Last evaluated: 2026-02-01. Review status: criteria provided, single submitter. Criteria: CeGaT Center For Human Genetics Tuebingen Variant Classification Criteria Version 2. Collection method: clinical testing. Allele origin: germline. Affected: yes. Observed: 11 variant alleles.
Comment: HTT: BP4, BS2

Labcorp Genetics (formerly Invitae), Labcorp
Classification: Benign. Last evaluated: 2025-01-06. Review status: criteria provided, single submitter. Criteria: Invitae Variant Classification Sherloc (09022015). Collection method: clinical testing. Allele origin: germline.

Breakthrough Genomics
Classification: Benign. Review status: criteria provided, single submitter. Criteria: ACMG Guidelines, 2015. Collection method: not provided. Allele origin: germline. Inheritance: Autosomal recessive inheritance. Affected: yes.